The following is an entry in ClinVar:

NM_007294.4(BRCA1):c.1118T>G (p.Ile373Arg)

Gene: BRCA1 (BRCA1 DNA repair associated; minus strand). Cytogenetic location: 17q21.31.
Variant type: single nucleotide variant.
Coding change: c.1118T>G on transcript NM_007294.4 (MANE Select); coding-DNA position 1118, T replaced by G.
Protein change: p.Ile373Arg; replaces isoleucine 373 with arginine.
Molecular consequence: missense variant. On other transcripts: intron variant (137).
Genome position (GRCh38, 1-based): chr17:43,094,413, A>C on the plus strand (T>G on the coding strand, the complement: BRCA1 is on the minus strand). VCF-style: chr17-43094413-A-C. GRCh37 (hg19) VCF-style: chr17-41246430-A-C.
Other names: c.908T>G, p.Ile303Arg (NM_001407902.1, NM_001407904.1, NM_001407906.1 and 13 more transcripts); c.995T>G, p.Ile332Arg (NM_001407648.1, NM_001407863.1, NM_001407919.1 and 19 more transcripts); c.992T>G, p.Ile331Arg (NM_001407649.1, NM_001407940.1, NM_001407941.1 and 11 more transcripts); c.1118T>G, p.Ile373Arg (NM_001407652.1, NM_001407854.1, NM_001407858.1 and 30 more transcripts); c.1040T>G, p.Ile347Arg (NM_001407653.1, NM_001407656.1, NM_001407654.1 and 4 more transcripts); c.1037T>G, p.Ile346Arg (NM_001407660.1, NM_001407659.1, NM_001407661.1 and 1 more transcripts); c.974T>G, p.Ile325Arg (NM_001407740.1, NM_001407741.1, NM_001407742.1 and 20 more transcripts); c.977T>G, p.Ile326Arg (NM_001407750.1, NM_001407751.1, NM_001407752.1 and 29 more transcripts); and 40 more; short protein forms I326R, I373R, I261R, I306R, I332R, I372R, I246R, I302R.
Identifiers: ClinVar variation 1171931 (VCV001171931.5), dbSNP rs2154475121, ClinGen allele CA10599819.

ClinVar aggregate classification (germline): Conflicting classifications of pathogenicity. Review status: criteria provided, conflicting classifications (1 of 4 stars). 2 submissions from 2 submitters: Uncertain significance (1); Likely benign (1). Last evaluated 2023-03-23.

Conditions:
Hereditary cancer-predisposing syndrome. Also called: Tumor predisposition; Hereditary neoplastic syndrome; Hereditary Cancer Syndrome; Neoplastic Syndromes, Hereditary. Identifiers: Orphanet 140162, MedGen C0027672, MeSH D009386, MONDO:0015356.

Submissions (2):

University of Washington Department of Laboratory Medicine, University of Washington
Classification: Likely benign for Hereditary cancer-predisposing syndrome. Last evaluated: 2023-03-23. Review status: criteria provided, single submitter. Criteria: Dines et al. (Genet Med. 2020). Collection method: curation. Allele origin: germline.
Comment: Missense variant in a coldspot region where missense variants are very unlikely to be pathogenic (PMID:31911673).

BRCA1 coldspot (exon 11 using historical exon numbering). Reclassification based on statistical prior probability

Color Diagnostics, LLC DBA Color Health
Classification: Uncertain significance for Hereditary cancer-predisposing syndrome. Last evaluated: 2020-06-10. Review status: criteria provided, single submitter. Criteria: ACMG Guidelines, 2015. Collection method: clinical testing. Allele origin: germline.
Comment: This missense variant replaces isoleucine with arginine at codon 373 of the BRCA1 protein. Computational prediction suggests that this variant may have deleterious impact on protein structure and function (internally defined REVEL score threshold >= 0.7, PMID: 27666373). To our knowledge, functional studies have not been reported for this variant. This variant has not been reported in individuals affected with hereditary cancer in the literature. This variant has not been identified in the general population by the Genome Aggregation Database (gnomAD). The available evidence is insufficient to determine the role of this variant in disease conclusively. Therefore, this variant is classified as a Variant of Uncertain Significance.